The following is an entry in ClinVar:

ClinVar aggregate classification (germline): Uncertain significance (1 of 4 stars; one submission).

Conditions:
Nemaline myopathy 8 (NEM8). Also called: Nemaline myopathy 8, autosomal recessive. Identifiers: Orphanet 171430, MedGen C3809209, MONDO:0014138, OMIM 615348.

Allele frequency attached by ClinVar (database versions not stated): TOPMed below 0.00001; ExAC 0.00001; gnomAD exomes 0.00001.
gnomAD v4.1: 8 of 1,612,646 alleles (0.0005%); highest among the groups gnomAD compares: East Asian, 0.0089%; 1 homozygote.

Submission:

Labcorp Genetics (formerly Invitae), Labcorp
Classification: Uncertain significance for Nemaline myopathy 8. Last evaluated: 2022-11-22. Review status: criteria provided, single submitter. Criteria: Invitae Variant Classification Sherloc (09022015). Collection method: clinical testing. Allele origin: germline.
Comment: In summary, the available evidence is currently insufficient to determine the role of this variant in disease. Therefore, it has been classified as a Variant of Uncertain Significance. Advanced modeling of protein sequence and biophysical properties (such as structural, functional, and spatial information, amino acid conservation, physicochemical variation, residue mobility, and thermodynamic stability) performed at Invitae indicates that this missense variant is not expected to disrupt KLHL40 protein function. ClinVar contains an entry for this variant (Variation ID: 1350157). This variant has not been reported in the literature in individuals affected with KLHL40-related conditions. This variant is present in population databases (rs779869498, gnomAD 0.003%). This sequence change replaces glutamic acid, which is acidic and polar, with lysine, which is basic and polar, at codon 65 of the KLHL40 protein (p.Glu65Lys).

NM_152393.4(KLHL40):c.193G>A (p.Glu65Lys)

Gene: KLHL40 (kelch like family member 40; plus strand). Cytogenetic location: 3p22.1.
Variant type: single nucleotide variant.
Coding change: c.193G>A on transcript NM_152393.4 (MANE Select); coding-DNA position 193, G replaced by A.
Protein change: p.Glu65Lys; replaces glutamic acid 65 with lysine.
Molecular consequence: missense variant.
Genome position (GRCh38, 1-based): chr3:42,685,811, G>A. VCF-style: chr3-42685811-G-A. GRCh37 (hg19) VCF-style: chr3-42727303-G-A.
Other names: short protein forms E65K.
Identifiers: ClinVar variation 1350157 (VCV001350157.7), dbSNP rs779869498, ClinGen allele CA2336588.